The following is an entry in ClinVar:

NM_012123.4(MTO1):c.1858A>C (p.Arg620=)

Gene: MTO1 (mitochondrial tRNA translation optimization 1; plus strand). Cytogenetic location: 6q13.
Variant type: single nucleotide variant.
Coding change: c.1858A>C on transcript NM_012123.4 (MANE Select); coding-DNA position 1858, A replaced by C.
Protein change: p.Arg620=; no amino-acid change (arginine 620 retained).
Molecular consequence: synonymous variant.
Genome position (GRCh38, 1-based): chr6:73,497,837, A>C. VCF-style: chr6-73497837-A-C. GRCh37 (hg19) VCF-style: chr6-74207560-A-C.
Other names: p.Arg620=; c.1978A>C, p.Arg660= (NM_001123226.2); c.1933A>C, p.Arg645= (NM_133645.3).
Identifiers: ClinVar variation 4683203 (VCV004683203.1).

ClinVar aggregate classification (germline): Likely benign (1 of 4 stars; one submission).

Submission:

Mayo Clinic Laboratories, Mayo Clinic
Classification: Likely benign. Last evaluated: 2025-09-02. Review status: criteria provided, single submitter. Criteria: ACMG Guidelines, 2015. Collection method: clinical testing. Allele origin: germline. Observed: 1 variant allele.
Comment: BP4, BP7, PM2_supporting